The following is an entry in ClinVar:

NM_001374736.1(DST):c.4223AAG[2] (p.Glu1410del)

Gene: DST (dystonin; minus strand). Cytogenetic location: 6p12.1.
Variant type: Microsatellite.
Coding change: c.4223AAG[2] on transcript NM_001374736.1 (MANE Select); two copies in a row of the 3-base unit AAG starting at c.4223; the reference has three copies in a row; one copy, 3 bases deleted.
Protein change: p.Glu1410del; deletes glutamic acid 1410.
Molecular consequence: inframe deletion.
Genome position (GRCh38, 1-based): chr6:56,630,295-56,630,297, CTT deleted on the plus strand (AAG on the coding strand, the reverse complement: DST is on the minus strand); deleting any 3 consecutive bases within chr6:56,630,295-56,630,304 gives the same sequence; the position shown is the placement nearest the transcript's 3' end. VCF-style (leftmost placement, unchanged base first): chr6-56630294-GCTT-G. GRCh37 (hg19) VCF-style: chr6-56495092-GCTT-G.
Other names: c.4124AAG[2], p.Glu1377del (NM_001144769.5); c.3710AAG[2], p.Glu1239del (NM_001144770.2); c.4223AAG[2], p.Glu1410del (NM_001374722.1); c.3590AAG[2], p.Glu1199del (NM_001374729.1, NM_001374730.1, NM_001386100.1 and 1 more transcripts); c.4250AAG[2], p.Glu1419del (NM_001374734.1); c.2612AAG[2], p.Glu873del (NM_001723.7, NM_015548.5); c.2618_2620del (NM_001723.5); short protein forms E873del, E1377del, E1199del, E1239del, E1410del, E1419del.
Identifiers: ClinVar variation 474514 (VCV000474514.8), dbSNP rs770713340, ClinGen allele CA3870944.

ClinVar aggregate classification (germline): Uncertain significance (1 of 4 stars; one submission).

Conditions:
Hereditary sensory and autonomic neuropathy type 6. Also called: HSAN VI; Neuropathy, hereditary sensory and autonomic, type VI. Identifiers: Orphanet 314381, MedGen C3539003, MONDO:0013839, OMIM 614653.
Epidermolysis bullosa simplex 3, localized or generalized intermediate, with BP230 deficiency (EBS3). Also called: Epidermolysis bullosa simplex, autosomal recessive 2; Epidermolysis bullosa simplex due to BP230 deficiency. Identifiers: Orphanet 412181, MedGen C3809470, MONDO:0014180, OMIM 615425.

Submission:

Labcorp Genetics (formerly Invitae), Labcorp
Classification: Uncertain significance for Epidermolysis bullosa simplex 3, localized or generalized intermediate, with BP230 deficiency; Hereditary sensory and autonomic neuropathy type 6. Last evaluated: 2025-08-17. Review status: criteria provided, single submitter. Criteria: Invitae Variant Classification Sherloc (09022015). Collection method: clinical testing. Allele origin: germline.
Comment: This variant, c.2618_2620del, results in the deletion of 1 amino acid(s) of the DST protein (p.Glu873del), but otherwise preserves the integrity of the reading frame. This variant is present in population databases (rs770713340, gnomAD 0.007%). This variant has been observed in individual(s) with epidermolysis bullosa simplex (PMID: 28119998). ClinVar contains an entry for this variant (Variation ID: 474514). Experimental studies and prediction algorithms are not available or were not evaluated, and the functional significance of this variant is currently unknown. In summary, the available evidence is currently insufficient to determine the role of this variant in disease. Therefore, it has been classified as a Variant of Uncertain Significance.

Literature cited by the submitters: PubMed 28119998.